The following is an entry in ClinVar:

NM_017635.5(KMT5B):c.2365G>T (p.Gly789Trp)

Gene: KMT5B (lysine methyltransferase 5B; minus strand). Cytogenetic location: 11q13.2.
Variant type: single nucleotide variant.
Coding change: c.2365G>T on transcript NM_017635.5 (MANE Select); coding-DNA position 2365, G replaced by T.
Protein change: p.Gly789Trp; replaces glycine 789 with tryptophan.
Molecular consequence: missense variant.
Genome position (GRCh38, 1-based): chr11:68,157,981, C>A on the plus strand (G>T on the coding strand, the complement: KMT5B is on the minus strand). VCF-style: chr11-68157981-C-A. GRCh37 (hg19) VCF-style: chr11-67925448-C-A.
Other names: c.1849G>T, p.Gly617Trp (NM_001300907.1, NM_001369428.1, NM_001369429.1 and 4 more transcripts); c.1645G>T, p.Gly549Trp (NM_001300908.2); c.2365G>T, p.Gly789Trp (NM_001369426.1); short protein forms G549W, G617W, G789W.
Identifiers: ClinVar variation 3235728 (VCV003235728.1), dbSNP rs1859423259, ClinGen allele CA381587695.
Genomic context (GRCh38, chr11:68,157,981, plus strand): 5'-AGAGAGAAAGAGGATCACTGCAGCACACCCCATTTTCATGAAGCCCCTCTGTATAAGACC[C>A]CCTATTTTCCTCATCTCGTTTTAGCTGGATTTTTAATTTTGTAGAACTACTGCCTGATCC-3'
Protein context (NP_060105.3, residues 779-799): IQLKRDEENR[Gly789Trp]SYTEGLHENG

ClinVar aggregate classification (germline): Uncertain significance (1 of 4 stars; one submission).

Submission:

Greenwood Genetic Center Diagnostic Laboratories, Greenwood Genetic Center
Classification: Uncertain significance. Last evaluated: 2024-02-07. Review status: criteria provided, single submitter. Criteria: ACMG Guidelines, 2015. Collection method: clinical testing. Allele origin: germline. Affected: yes.
Comment: PM2